The following is an entry in ClinVar:

NC_000001.10:g.(?_167817579)_(167817747_?)dup

Gene: ADCY10 (adenylate cyclase 10; minus strand). Cytogenetic location: 1q24.2.
Variant type: Duplication.
Identifiers: ClinVar variation 2426468 (VCV002426468.4).

ClinVar aggregate classification (germline): Uncertain significance (1 of 4 stars; one submission).

Submission:

Labcorp Genetics (formerly Invitae), Labcorp
Classification: Uncertain significance. Last evaluated: 2023-07-14. Review status: criteria provided, single submitter. Criteria: Invitae Variant Classification Sherloc (09022015). Collection method: clinical testing. Allele origin: germline.
Comment: This variant results in a copy number gain of the genomic region encompassing exon(s) 19 of the ADCY10 gene. While the exact position of this variant cannot be determined from the data, sub-genic copy number gains are generally in tandem (PMID: 25640679). This variant is predicted to be in-frame, and likely preserves the integrity of the reading frame. This variant has not been reported in the literature in individuals affected with ADCY10-related conditions. Experimental studies and prediction algorithms are not available or were not evaluated, and the functional significance of this variant is currently unknown. In summary, the available evidence is currently insufficient to determine the role of this variant in disease. Therefore, it has been classified as a Variant of Uncertain Significance.

Literature cited by the submitters: PubMed 25640679.